The following is an entry in ClinVar:

ClinVar aggregate classification (germline): Likely benign. Review status: criteria provided, multiple submitters, no conflicts (2 of 4 stars). 3 submissions from 3 submitters: Likely benign (2). 1 of the submissions does not count toward it. Last evaluated 2024-12-09.

Conditions:
Long QT syndrome (LQTS). Identifiers: MedGen C0023976, MeSH D008133, MONDO:0002442. Disease mechanism: loss of function. Inheritance: Various modes of inheritance.
ANK2-related disorder. Also called: ANK2-related condition.
Cardiovascular phenotype. Identifiers: MedGen CN230736.

Allele frequency attached by ClinVar (database versions not stated): ExAC 0.00002; gnomAD 0.00003; ESP Exome Variant Server 0.00008.
gnomAD v4.1: 24 of 1,613,882 alleles (0.0015%); highest among the groups gnomAD compares: East Asian, 0.0022%; no homozygotes.

Submissions (3):

Ambry Genetics
Classification: Likely benign for Cardiovascular phenotype. Last evaluated: 2024-12-09. Review status: criteria provided, single submitter. Criteria: Ambry Variant Classification Scheme 2023. Collection method: clinical testing. Allele origin: germline.

Labcorp Genetics (formerly Invitae), Labcorp
Classification: Likely benign for Long QT syndrome. Last evaluated: 2022-07-19. Review status: criteria provided, single submitter. Criteria: Invitae Variant Classification Sherloc (09022015). Collection method: clinical testing. Allele origin: germline.

PreventionGenetics, part of Exact Sciences
Classification: Likely benign for ANK2-related condition. Last evaluated: 2023-10-06. Review status: no assertion criteria provided. Collection method: clinical testing. Allele origin: germline. Not counted in ClinVar's aggregate classification.
Comment: This variant is classified as likely benign based on ACMG/AMP sequence variant interpretation guidelines (Richards et al. 2015 PMID: 25741868, with internal and published modifications).

NM_001148.6(ANK2):c.5388C>T (p.Asp1796=)

Genes: ANK2 (ankyrin 2; plus strand), LOC126807136 (MED14-independent group 3 enhancer GRCh37_chr4:114274931-114276130; plus strand). Cytogenetic location: 4q26.
Variant type: single nucleotide variant.
Coding change: c.5388C>T on transcript NM_001148.6 (MANE Select); coding-DNA position 5388, C replaced by T.
Protein change: p.Asp1796=; no amino-acid change (aspartic acid 1796 retained).
Molecular consequence: synonymous variant. On other transcripts: intron variant (68).
Genome position (GRCh38, 1-based): chr4:113,354,006, C>T. VCF-style: chr4-113354006-C-T. GRCh37 (hg19) VCF-style: chr4-114275162-C-T.
Other names: c.5154C>T, p.Asp1718= (NM_001386142.1); c.1788C>T, p.Asp596= (NM_001386166.1); c.5529C>T, p.Asp1843= (NM_001386174.1); c.5505C>T, p.Asp1835= (NM_001386175.1); c.4411+3757C>T (NM_001386186.2, NM_001386148.2); c.4213+3757C>T (NM_001354269.3); c.4291+3757C>T (NM_001386187.2); c.4252+3757C>T (NM_001386147.1); and 36 more.
Identifiers: ClinVar variation 1607114 (VCV001607114.11), dbSNP rs374140329, ClinGen allele CA3051216.